The following is an entry in ClinVar:

NM_000213.5(ITGB4):c.2629A>C (p.Lys877Gln)

Gene: ITGB4 (integrin subunit beta 4; plus strand). Cytogenetic location: 17q25.1.
Variant type: single nucleotide variant.
Coding change: c.2629A>C on transcript NM_000213.5 (MANE Select); coding-DNA position 2629, A replaced by C.
Protein change: p.Lys877Gln; replaces lysine 877 with glutamine.
Molecular consequence: missense variant.
Genome position (GRCh38, 1-based): chr17:75,741,001, A>C. VCF-style: chr17-75741001-A-C. GRCh37 (hg19) VCF-style: chr17-73737082-A-C.
Other names: c.2629A>C, p.Lys877Gln (NM_001005619.2, NM_001005731.3, NM_001321123.2); short protein forms K877Q.
Identifiers: ClinVar variation 3582930 (VCV003582930.2).
Genomic context (GRCh38, chr17:75,741,001, plus strand): 5'-TCAGGGCTATCTAGCTCACAGCGCCCTCTTTGTCCCCACAGGCAGCAGCCCAATGCCGGG[A>C]AAAAGTGAGTAGAAGACTCGTGGGTGAGAGGGCCCCCACTTCCTGCCCGCCTGTCCCCAG-3'
Protein context (NP_000204.3, residues 867-887): TKFRQQPNAG[Lys877Gln]KQDHTIVDTV

ClinVar aggregate classification (germline): Uncertain significance. Review status: criteria provided, multiple submitters, no conflicts (2 of 4 stars). 2 submissions from 2 submitters: Uncertain significance (2). Last evaluated 2025-05-12.

Conditions:
Epidermolysis bullosa, junctional 5A, intermediate. Also called: EPIDERMOLYSIS BULLOSA, JUNCTIONAL 5A, GENERALIZED INTERMEDIATE; EPIDERMOLYSIS BULLOSA, JUNCTIONAL 5A, NON-HERLITZ TYPE. Identifiers: MedGen C5676956, MONDO:0030768, OMIM 619816.
Junctional epidermolysis bullosa with pyloric atresia. Also called: APLASIA CUTIS CONGENITA WITH GASTROINTESTINAL ATRESIA; CARMI SYNDROME; EB-PA-ACC; Epidermolysis bullosa, junctional, with pyloric atresia and aplasia cutis congenita; Epidermolysis bullosa junctionalis with pyloric atresia; ITGB4-Related Epidermolysis Bullosa with Pyloric Atresia. Identifiers: Orphanet 79403, MedGen C5676875, MONDO:0009183, OMIM 226730.

gnomAD v4.1: 3 of 1,613,260 alleles (0.00019%); highest among the groups gnomAD compares: Non-Finnish European, 0.00025%; no homozygotes.

Submissions (2):

Labcorp Genetics (formerly Invitae), Labcorp
Classification: Uncertain significance. Last evaluated: 2025-05-12. Review status: criteria provided, single submitter. Criteria: Invitae Variant Classification Sherloc (09022015). Collection method: clinical testing. Allele origin: germline.
Comment: This sequence change replaces lysine, which is basic and polar, with glutamine, which is neutral and polar, at codon 877 of the ITGB4 protein (p.Lys877Gln). This variant is not present in population databases (gnomAD no frequency). This variant has not been reported in the literature in individuals affected with ITGB4-related conditions. ClinVar contains an entry for this variant (Variation ID: 3582930). Invitae Evidence Modeling of protein sequence and biophysical properties (such as structural, functional, and spatial information, amino acid conservation, physicochemical variation, residue mobility, and thermodynamic stability) has been performed for this missense variant. However, the output from this modeling did not meet the statistical confidence thresholds required to predict the impact of this variant on ITGB4 protein function. In summary, the available evidence is currently insufficient to determine the role of this variant in disease. Therefore, it has been classified as a Variant of Uncertain Significance.

Fulgent Genetics
Classification: Uncertain significance for Junctional epidermolysis bullosa with pyloric atresia; Epidermolysis bullosa, junctional 5A, intermediate. Last evaluated: 2024-03-08. Review status: criteria provided, single submitter. Criteria: ACMG Guidelines, 2015. Collection method: clinical testing. Allele origin: germline.